The following is an entry in ClinVar:

ClinVar aggregate classification (germline): Benign/Likely benign. Review status: criteria provided, multiple submitters, no conflicts (2 of 4 stars). 2 submissions from 2 submitters: Benign (1); Likely benign (1). Last evaluated 2024-03-27.

Conditions:
Familial adenomatous polyposis 1 (FAP1). Also called: FAMILIAL ADENOMATOUS POLYPOSIS 1, ATTENUATED; POLYPOSIS, ADENOMATOUS INTESTINAL. Identifiers: MedGen C2713442, MONDO:0021056, OMIM 175100. Disease mechanism: loss of function.

gnomAD v4.1: 1 of 1,614,154 alleles (0.000062%); highest among the groups gnomAD compares: Non-Finnish European, 0.000085%; no homozygotes.

Submissions (2):

Myriad Genetics, Inc.
Classification: Benign for Familial adenomatous polyposis 1. Last evaluated: 2024-03-27. Review status: criteria provided, single submitter. Criteria: Myriad Autosomal Dominant, Autosomal Recessive and X-Linked Classification Criteria (2023). Collection method: clinical testing. Allele origin: unknown.
Comment: This variant is considered benign. This variant is a silent/synonymous amino acid change and it is not expected to impact splicing.

Labcorp Genetics (formerly Invitae), Labcorp
Classification: Likely benign for Familial adenomatous polyposis 1. Last evaluated: 2024-01-24. Review status: criteria provided, single submitter. Criteria: Invitae Variant Classification Sherloc (09022015). Collection method: clinical testing. Allele origin: germline.

NM_000038.6(APC):c.4707T>C (p.Asp1569=)

Gene: APC (APC regulator of Wnt signaling pathway; plus strand). Cytogenetic location: 5q22.2.
Variant type: single nucleotide variant.
Coding change: c.4707T>C on transcript NM_000038.6 (MANE Select); coding-DNA position 4707, T replaced by C.
Protein change: p.Asp1569=; no amino-acid change (aspartic acid 1569 retained).
Molecular consequence: synonymous variant.
Genome position (GRCh38, 1-based): chr5:112,840,301, T>C. VCF-style: chr5-112840301-T-C. GRCh37 (hg19) VCF-style: chr5-112175998-T-C.
Other names: c.4707T>C, p.Asp1569= (NM_001127510.3, NM_001354895.2); c.4653T>C, p.Asp1551= (NM_001127511.3); c.4761T>C, p.Asp1587= (NM_001354896.2); c.4737T>C, p.Asp1579= (NM_001354897.2); c.4632T>C, p.Asp1544= (NM_001354898.2); c.4623T>C, p.Asp1541= (NM_001354899.2); c.4584T>C, p.Asp1528= (NM_001354900.2); c.4530T>C, p.Asp1510= (NM_001354901.2); and 5 more.
Identifiers: ClinVar variation 1082031 (VCV001082031.11), dbSNP rs2149921724, ClinGen allele CA446206683.